The following is an entry in ClinVar:

ClinVar aggregate classification (germline): Benign/Likely benign. Review status: criteria provided, multiple submitters, no conflicts (2 of 4 stars). 6 submissions from 6 submitters: Benign (2); Likely benign (3). 1 of the submissions does not count toward it. Last evaluated 2026-01-28.

Conditions:
DDX41-related disorder. Also called: DDX41-related condition.
Inborn genetic diseases. Identifiers: MedGen C0950123, MeSH D030342.

Allele frequency attached by ClinVar (database versions not stated): gnomAD 0.00018 and 0.00019; TOPMed 0.00019; gnomAD exomes 0.00022 and 0.00034; ExAC 0.00025; ESP Exome Variant Server 0.00031.
gnomAD v4.1: 517 of 1,613,584 alleles (0.032%); highest among the groups gnomAD compares: Non-Finnish European, 0.038%; no homozygotes.

Submissions (6):

Labcorp Genetics (formerly Invitae), Labcorp
Classification: Benign. Last evaluated: 2026-01-28. Review status: criteria provided, single submitter. Criteria: Invitae Variant Classification Sherloc (09022015). Collection method: clinical testing. Allele origin: germline.

Laboratory of Genetics, Children's Clinical University Hospital Latvia
Classification: Likely benign. Last evaluated: 2025-02-16. Review status: criteria provided, single submitter. Criteria: ACMG Guidelines, 2015. Collection method: clinical testing. Allele origin: germline. Affected: yes.

Blueprint Genetics
Classification: Likely benign. Last evaluated: 2024-11-26. Review status: criteria provided, single submitter. Criteria: ACMG Guidelines, 2015. Collection method: clinical testing. Allele origin: germline.

Ambry Genetics
Classification: Likely benign for Inborn genetic diseases. Last evaluated: 2024-10-05. Review status: criteria provided, single submitter. Criteria: Ambry Variant Classification Scheme 2023. Collection method: clinical testing. Allele origin: germline.

Genetic Services Laboratory, University of Chicago
Classification: Benign. Last evaluated: 2019-10-04. Review status: criteria provided, single submitter. Criteria: ACMG Guidelines, 2015. Collection method: clinical testing. Allele origin: germline. Affected: no.

PreventionGenetics, part of Exact Sciences
Classification: Likely benign for DDX41-related condition. Last evaluated: 2020-10-14. Review status: no assertion criteria provided. Collection method: clinical testing. Allele origin: germline. Not counted in ClinVar's aggregate classification.
Comment: This variant is classified as likely benign based on ACMG/AMP sequence variant interpretation guidelines (Richards et al. 2015 PMID: 25741868, with internal and published modifications).

NM_016222.4(DDX41):c.741G>A (p.Glu247=)

Gene: DDX41 (DEAD-box helicase 41; minus strand). Cytogenetic location: 5q35.3.
Variant type: single nucleotide variant.
Coding change: c.741G>A on transcript NM_016222.4 (MANE Select); coding-DNA position 741, G replaced by A.
Protein change: p.Glu247=; no amino-acid change (glutamic acid 247 retained).
Molecular consequence: synonymous variant.
Genome position (GRCh38, 1-based): chr5:177,514,973, C>T on the plus strand (G>A on the coding strand, the complement: DDX41 is on the minus strand). VCF-style: chr5-177514973-C-T. GRCh37 (hg19) VCF-style: chr5-176941974-C-T.
Other names: c.363G>A, p.Glu121= (NM_001321732.2, NM_001321830.2); c.741G>A (NM_016222.3).
Identifiers: ClinVar variation 1337390 (VCV001337390.13), dbSNP rs143274979, ClinGen allele CA3585039.